The following is an entry in ClinVar:

NM_020163.3(SEMA3G):c.2224C>T (p.Arg742Trp)

Gene: SEMA3G (semaphorin 3G; minus strand). Cytogenetic location: 3p21.1.
Variant type: single nucleotide variant.
Coding change: c.2224C>T on transcript NM_020163.3 (MANE Select); coding-DNA position 2224, C replaced by T.
Protein change: p.Arg742Trp; replaces arginine 742 with tryptophan.
Molecular consequence: missense variant.
Genome position (GRCh38, 1-based): chr3:52,435,728, G>A on the plus strand (C>T on the coding strand, the complement: SEMA3G is on the minus strand). VCF-style: chr3-52435728-G-A. GRCh37 (hg19) VCF-style: chr3-52469744-G-A.
Other names: c.2224C>T (NM_020163.2); short protein forms R742W.
Identifiers: ClinVar variation 2553237 (VCV002553237.3), dbSNP rs772782352, ClinGen allele CA2437687.

ClinVar aggregate classification (germline): Uncertain significance. Review status: criteria provided, multiple submitters, no conflicts (2 of 4 stars). 2 submissions from 2 submitters: Uncertain significance (2). Last evaluated 2026-05-03.

Conditions:
SEMA3G-related disorder. Also called: SEMA3G-related condition.

Allele frequency attached by ClinVar (database versions not stated): gnomAD 0.00001; gnomAD exomes 0.00001; ExAC 0.00002; TOPMed 0.00002.
gnomAD v4.1: 15 of 1,613,910 alleles (0.00093%); highest among the groups gnomAD compares: Admixed American, 0.0017%; no homozygotes.

Submissions (2):

PreventionGenetics, part of Exact Sciences
Classification: Uncertain significance for SEMA3G-related condition. Last evaluated: 2026-05-03. Review status: criteria provided, single submitter. Criteria: ACMG Guidelines, 2015. Collection method: clinical testing. Allele origin: germline.
Comment: The SEMA3G c.2224C>T variant is predicted to result in the amino acid substitution p.Arg742Trp. To our knowledge, this variant has not been reported in the literature. This variant is reported in 0.00088% of alleles in individuals of European (Non-Finnish) descent in gnomAD. At this time, the clinical significance of this variant is uncertain due to the absence of conclusive functional and genetic evidence.

Ambry Genetics
Classification: Uncertain significance. Last evaluated: 2023-05-31. Review status: criteria provided, single submitter. Criteria: Ambry Variant Classification Scheme 2023. Collection method: clinical testing. Allele origin: germline.